The following is an entry in ClinVar:

ClinVar aggregate classification (germline): Likely pathogenic (1 of 4 stars; one submission).

Conditions:
Hypogonadotropic hypogonadism 1 with or without anosmia (HH1). Also called: Kallmann syndrome, type 1, X-linked; DYSPLASIA OLFACTOGENITALIS OF DE MORSIER; HYPOGONADOTROPIC HYPOGONADISM 1 WITH ANOSMIA; KAL1-Related GnRH Deficiency (Kallmann Syndrome 1; Kallmann Syndrome, X-Linked); Hypogonadotropic hypogonadism 1 with or without anosmia (Kallmann syndrome 1); HYPOGONADOTROPIC HYPOGONADISM AND ANOSMIA. Identifiers: Orphanet 478, MedGen C1563719, MONDO:0010635, OMIM 308700. Disease mechanism: loss of function.

Submission:

3billion
Classification: Likely pathogenic for Hypogonadotropic hypogonadism 1 with or without anosmia. Last evaluated: 2025-01-17. Review status: criteria provided, single submitter. Criteria: ACMG Guidelines, 2015. Collection method: clinical testing. Allele origin: germline. Affected: yes.
Comment: The variant is not observed in the gnomAD v4.1.0 dataset. Predicted Consequence/Location: Frameshift: predicted to result in a loss or disruption of normal protein function through nonsense-mediated decay (NMD) or protein truncation. Multiple pathogenic variants are reported downstream of the variant. Therefore, this variant is classified as Likely pathogenic according to the recommendation of ACMG/AMP guideline.

NM_000216.4(ANOS1):c.823dup (p.Thr275fs)

Gene: ANOS1 (anosmin 1; minus strand). Cytogenetic location: Xp22.31.
Variant type: Duplication.
Coding change: c.823dup on transcript NM_000216.4 (MANE Select); coding-DNA position 823, one base duplicated (A; older notation c.823dupA).
Protein change: p.Thr275fs; shifts the reading frame from threonine 275.
Molecular consequence: frameshift variant.
Genome position (GRCh38, 1-based): chrX:8,585,300, T duplicated on the plus strand (A on the coding strand, the reverse complement: ANOS1 is on the minus strand). VCF-style (leftmost placement, unchanged base first): chrX-8585299-G-GT. GRCh37 (hg19) VCF-style: chrX-8553340-G-GT.
Other names: c.823dup, p.Thr275fs (NM_001440775.1); short protein forms T275fs.
Identifiers: ClinVar variation 4293053 (VCV004293053.1).